The following is an entry in ClinVar:

NM_020207.7(ERCC6L2):c.4091C>T (p.Thr1364Ile)

Gene: ERCC6L2 (ERCC excision repair 6 like 2; plus strand). Cytogenetic location: 9q22.32.
Variant type: single nucleotide variant.
Coding change: c.4091C>T on transcript NM_020207.7 (MANE Select); coding-DNA position 4091, C replaced by T.
Protein change: p.Thr1364Ile; replaces threonine 1364 with isoleucine.
Molecular consequence: missense variant. On other transcripts: non-coding transcript variant (1), intron variant (2).
Genome position (GRCh38, 1-based): chr9:96,012,641, C>T. VCF-style: chr9-96012641-C-T. GRCh37 (hg19) VCF-style: chr9-98774923-C-T.
Other names: c.3674+7940C>T (NM_001375291.1, NM_001375292.1); short protein forms T1364I.
Identifiers: ClinVar variation 1900331 (VCV001900331.3), dbSNP rs574050301, ClinGen allele CA5140049.

ClinVar aggregate classification (germline): Uncertain significance (1 of 4 stars; one submission).

Allele frequency attached by ClinVar (database versions not stated): TOPMed 0.00001; gnomAD 0.00005; gnomAD exomes 0.00010; ExAC 0.00015; 1000 Genomes Project 30x 0.00016; 1000 Genomes Project 0.00020.
gnomAD v4.1: 122 of 1,367,538 alleles (0.0089%); highest among the groups gnomAD compares: South Asian, 0.13%; 1 homozygote.

Submission:

Labcorp Genetics (formerly Invitae), Labcorp
Classification: Uncertain significance. Last evaluated: 2025-12-03. Review status: criteria provided, single submitter. Criteria: Invitae Variant Classification Sherloc (09022015). Collection method: clinical testing. Allele origin: germline.
Comment: This sequence change replaces threonine, which is neutral and polar, with isoleucine, which is neutral and non-polar, at codon 1375 of the ERCC6L2 protein (p.Thr1375Ile). This variant is present in population databases (rs574050301, gnomAD 0.1%). This variant has not been reported in the literature in individuals affected with ERCC6L2-related conditions. ClinVar contains an entry for this variant (Variation ID: 1900331). Experimental studies and prediction algorithms are not available or were not evaluated, and the functional significance of this variant is currently unknown. In summary, the available evidence is currently insufficient to determine the role of this variant in disease. Therefore, it has been classified as a Variant of Uncertain Significance.